The following is an entry in ClinVar:

ClinVar aggregate classification (germline): Uncertain significance (1 of 4 stars; one submission).

Conditions:
Hereditary cancer-predisposing syndrome. Also called: Tumor predisposition; Hereditary neoplastic syndrome; Hereditary Cancer Syndrome; Neoplastic Syndromes, Hereditary. Identifiers: Orphanet 140162, MedGen C0027672, MeSH D009386, MONDO:0015356.

Submission:

Ambry Genetics
Classification: Uncertain significance for Hereditary cancer-predisposing syndrome. Last evaluated: 2023-01-02. Review status: criteria provided, single submitter. Criteria: Ambry Variant Classification Scheme 2023. Collection method: clinical testing. Allele origin: germline.
Comment: The p.D135E variant (also known as c.405C>A), located in coding exon 4 of the SDHA gene, results from a C to A substitution at nucleotide position 405. The aspartic acid at codon 135 is replaced by glutamic acid, an amino acid with highly similar properties. This amino acid position is conserved. In addition, this alteration is predicted to be deleterious by in silico analysis. Since supporting evidence is limited at this time, the clinical significance of this alteration remains unclear.

NM_004168.4(SDHA):c.405C>A (p.Asp135Glu)

Gene: SDHA (succinate dehydrogenase complex flavoprotein subunit A; plus strand). Cytogenetic location: 5p15.33.
Variant type: single nucleotide variant.
Coding change: c.405C>A on transcript NM_004168.4 (MANE Select); coding-DNA position 405, C replaced by A.
Protein change: p.Asp135Glu; replaces aspartic acid 135 with glutamic acid.
Molecular consequence: missense variant. On other transcripts: intron variant (1).
Genome position (GRCh38, 1-based): chr5:225,511, C>A. VCF-style: chr5-225511-C-A. GRCh37 (hg19) VCF-style: chr5-225626-C-A.
Other names: c.405C>A, p.Asp135Glu (NM_001330758.2); c.313-372C>A (NM_001294332.2); short protein forms D135E.
Identifiers: ClinVar variation 3223745 (VCV003223745.1), dbSNP rs2126547327, ClinGen allele CA359009512.